The following is an entry in ClinVar:

ClinVar aggregate classification (germline): Likely pathogenic (1 of 4 stars; one submission).

Conditions:
Marfan syndrome (MFS). Also called: MARFAN SYNDROME, TYPE I; Marfan syndrome type 1; Marfan's syndrome; Marfan syndrome, classic; FBN1-Related Marfan Syndrome. Identifiers: Orphanet 284963, Orphanet 558, MedGen C0024796, MONDO:0007947, OMIM 154700.

Submission:

Laboratory for Molecular Medicine, Mass General Brigham Personalized Medicine
Classification: Likely pathogenic for Marfan syndrome. Last evaluated: 2016-05-05. Review status: criteria provided, single submitter. Criteria: ACMG Guidelines, 2015. Collection method: clinical testing. Allele origin: germline.
Comment: The 6013_6014insTA (Ser2005IlefsX55) variant has not been previously reported in the literature or been identified by our laboratory. This variant leads to a premature stop codon. Protein truncating variants are common in FBN1; therefore, this variant is likely to be pathogenic. From this DNA sequencing test, we cannot determine the effect this nucleotide change will have on the protein produced. It is possible that a truncated protein is generated; as the nucleotide change is predicted to lead to a stop codon at amino acid 2059. Alternatively, no protein would be produced from this allele if nonsense-mediated decay occurs, as premature stop codons frequently result in degradation of the mRNA.

NM_000138.5(FBN1):c.6013_6014insTA (p.Ser2005fs)

Gene: FBN1 (fibrillin 1; minus strand). Cytogenetic location: 15q21.1.
Variant type: Insertion.
Coding change: c.6013_6014insTA on transcript NM_000138.5 (MANE Select); coding-DNA positions 6013 to 6014, TA inserted.
Protein change: p.Ser2005fs; shifts the reading frame from serine 2005.
Molecular consequence: frameshift variant.
Genome position: GRCh38 VCF-style: chr15-48444564-C-CTA. GRCh37 (hg19) VCF-style: chr15-48736761-C-CTA.
Other names: c.6013_6014insTA, p.Ser2005fs (NM_001406716.1); short protein forms S2005fs.
Identifiers: ClinVar variation 3075990 (VCV003075990.1), dbSNP rs2505451845, ClinGen allele CA913188639.